The following is an entry in ClinVar:

NM_000492.4(CFTR):c.2895C>A (p.Asn965Lys)

Gene: CFTR (CF transmembrane conductance regulator; plus strand). Cytogenetic location: 7q31.2.
Variant type: single nucleotide variant.
Coding change: c.2895C>A on transcript NM_000492.4 (MANE Select); coding-DNA position 2895, C replaced by A.
Protein change: p.Asn965Lys; replaces asparagine 965 with lysine.
Molecular consequence: missense variant.
Genome position (GRCh38, 1-based): chr7:117,603,769, C>A. VCF-style: chr7-117603769-C-A. GRCh37 (hg19) VCF-style: chr7-117243823-C-A.
Other names: short protein forms N965K.
Identifiers: ClinVar variation 594285 (VCV000594285.12), dbSNP rs779569793, ClinGen allele CA4451307.

ClinVar aggregate classification (germline): Uncertain significance. Review status: criteria provided, multiple submitters, no conflicts (2 of 4 stars). 5 submissions from 5 submitters: Uncertain significance (4). 1 of the submissions does not count toward it. Last evaluated 2022-09-16.

Conditions:
Cystic fibrosis (CF). Also called: MUCOVISCIDOSIS. Identifiers: Orphanet 586, MedGen C0010674, MONDO:0009061, OMIM 219700. Disease mechanism: loss of function.
CFTR-related disorder (CFTR-RD). Also called: CFTR-related disorders; CFTR-related condition. Identifiers: MedGen C5924204, MONDO:7770004.

Allele frequency attached by ClinVar (database versions not stated): gnomAD 0.00003; TOPMed 0.00002; gnomAD exomes 0.00001 and 0.00003; ExAC 0.00004.
gnomAD v4.1: 17 of 1,613,760 alleles (0.0011%); highest among the groups gnomAD compares: East Asian, 0.0022%; no homozygotes.

Submissions (5):

Ambry Genetics
Classification: Uncertain significance for Cystic fibrosis. Last evaluated: 2022-09-16. Review status: criteria provided, single submitter. Criteria: Ambry Variant Classification Scheme 2023. Collection method: clinical testing. Allele origin: germline.
Comment: The p.N965K variant (also known as c.2895C>A), located in coding exon 17 of the CFTR gene, results from a C to A substitution at nucleotide position 2895. The asparagine at codon 965 is replaced by lysine, an amino acid with similar properties. This amino acid position is well conserved in available vertebrate species. In addition, the in silico prediction for this alteration is inconclusive. Since supporting evidence is limited at this time, the clinical significance of this alteration remains unclear.

Genome-Nilou Lab
Classification: Uncertain significance for Cystic fibrosis. Last evaluated: 2021-09-05. Review status: criteria provided, single submitter. Criteria: ACMG Guidelines, 2015. Collection method: clinical testing. Allele origin: germline. Affected: no.

Women's Health and Genetics/Laboratory Corporation of America, LabCorp
Classification: Uncertain significance. Last evaluated: 2018-10-04. Review status: criteria provided, single submitter. Criteria: LabCorp Variant Classification Summary - May 2015. Collection method: clinical testing. Allele origin: germline.
Comment: Variant summary: CFTR c.2895C>A (p.Asn965Lys) results in a non-conservative amino acid change located in the ABC transporter type 1, transmembrane domain of the encoded protein sequence. Five of five in-silico tools predict a damaging effect of the variant on protein function. The variant allele was found at a frequency of 2.8e-05 in 246054 control chromosomes (gnomAD). The available data on variant occurrences in the general population are insufficient to allow any conclusion about variant significance. To our knowledge, no occurrence of c.2895C>A in individuals affected with Cystic Fibrosis and no experimental evidence demonstrating its impact on protein function have been reported. No clinical diagnostic laboratories have submitted clinical-significance assessments for this variant to ClinVar after 2014. Based on the evidence outlined above, the variant was classified as uncertain significance.

Eurofins Ntd Llc (ga)
Classification: Uncertain significance. Last evaluated: 2017-09-29. Review status: criteria provided, single submitter. Criteria: EGL Classification Definitions 2015. Collection method: clinical testing. Allele origin: germline. Observed: 1 variant allele, 1 heterozygote.

Natera, Inc.
Classification: Uncertain significance for CFTR-related disorders. Last evaluated: 2018-08-04. Review status: no assertion criteria provided. Collection method: clinical testing. Allele origin: germline. Not counted in ClinVar's aggregate classification.